The following is an entry in ClinVar:

NM_004260.4(RECQL4):c.1372C>T (p.Pro458Ser)

Gene: RECQL4 (RecQ like helicase 4; minus strand). Cytogenetic location: 8q24.3.
Variant type: single nucleotide variant.
Coding change: c.1372C>T on transcript NM_004260.4 (MANE Select); coding-DNA position 1372, C replaced by T.
Protein change: p.Pro458Ser; replaces proline 458 with serine.
Molecular consequence: missense variant.
Genome position (GRCh38, 1-based): chr8:144,515,344, G>A on the plus strand (C>T on the coding strand, the complement: RECQL4 is on the minus strand). VCF-style: chr8-144515344-G-A. GRCh37 (hg19) VCF-style: chr8-145740728-G-A.
Other names: short protein forms P458S.
Identifiers: ClinVar variation 459319 (VCV000459319.5), dbSNP rs761992231, ClinGen allele CA4948902.

ClinVar aggregate classification (germline): Uncertain significance. Review status: criteria provided, multiple submitters, no conflicts (2 of 4 stars). 2 submissions from 2 submitters: Uncertain significance (2). Last evaluated 2025-11-18.

Conditions:
Inborn genetic diseases. Identifiers: MedGen C0950123, MeSH D030342.
Baller-Gerold syndrome (BGS). Also called: CRANIOSYNOSTOSIS WITH RADIAL DEFECTS. Identifiers: Orphanet 1225, MedGen C0265308, MONDO:0009039, OMIM 218600.

Allele frequency attached by ClinVar (database versions not stated): gnomAD exomes below 0.00001; ExAC 0.00001; gnomAD 0.00001; TOPMed 0.00001.

Submissions (2):

Labcorp Genetics (formerly Invitae), Labcorp
Classification: Uncertain significance for Baller-Gerold syndrome. Last evaluated: 2025-11-18. Review status: criteria provided, single submitter. Criteria: Invitae Variant Classification Sherloc (09022015). Collection method: clinical testing. Allele origin: germline.
Comment: This sequence change replaces proline, which is neutral and non-polar, with serine, which is neutral and polar, at codon 458 of the RECQL4 protein (p.Pro458Ser). This variant is present in population databases (rs761992231, gnomAD 0.003%). This variant has not been reported in the literature in individuals affected with RECQL4-related conditions. ClinVar contains an entry for this variant (Variation ID: 459319). Invitae Evidence Modeling of protein sequence and biophysical properties (such as structural, functional, and spatial information, amino acid conservation, physicochemical variation, residue mobility, and thermodynamic stability) indicates that this missense variant is not expected to disrupt RECQL4 protein function with a negative predictive value of 80%. In summary, the available evidence is currently insufficient to determine the role of this variant in disease. Therefore, it has been classified as a Variant of Uncertain Significance.

Ambry Genetics
Classification: Uncertain significance for Inborn genetic diseases. Last evaluated: 2024-12-09. Review status: criteria provided, single submitter. Criteria: Ambry Variant Classification Scheme 2023. Collection method: clinical testing. Allele origin: germline.
Comment: The p.P458S variant (also known as c.1372C>T), located in coding exon 7 of the RECQL4 gene, results from a C to T substitution at nucleotide position 1372. The proline at codon 458 is replaced by serine, an amino acid with similar properties. This amino acid position is conserved. In addition, the in silico prediction for this alteration is inconclusive. Based on the available evidence, the clinical significance of this variant remains unclear.